The following is an entry in ClinVar:

ClinVar aggregate classification (germline): Uncertain significance (1 of 4 stars; one submission).

Submission:

Labcorp Genetics (formerly Invitae), Labcorp
Classification: Uncertain significance. Last evaluated: 2025-01-20. Review status: criteria provided, single submitter. Criteria: Invitae Variant Classification Sherloc (09022015). Collection method: clinical testing. Allele origin: germline.
Comment: This sequence change replaces arginine, which is basic and polar, with glutamine, which is neutral and polar, at codon 1633 of the MYH9 protein (p.Arg1633Gln). Information on the frequency of this variant in the gnomAD database is not available, as this variant may be reported differently in the database. This variant has not been reported in the literature in individuals affected with MYH9-related conditions. An algorithm developed to predict the effect of missense changes on protein structure and function (PolyPhen-2) suggests that this variant is likely to be disruptive. In summary, the available evidence is currently insufficient to determine the role of this variant in disease. Therefore, it has been classified as a Variant of Uncertain Significance.

NM_002473.6(MYH9):c.4898_4899delinsAA (p.Arg1633Gln)

Gene: MYH9 (myosin heavy chain 9; minus strand). Cytogenetic location: 22q12.3.
Variant type: Indel.
Coding change: c.4898_4899delinsAA on transcript NM_002473.6 (MANE Select); coding-DNA positions 4898 to 4899, GG replaced by AA.
Protein change: p.Arg1633Gln; replaces arginine 1633 with glutamine.
Molecular consequence: missense variant.
Genome position (GRCh38, 1-based): chr22:36,288,285-36,288,286, CC replaced by TT on the plus strand (GG replaced by AA on the coding strand, the reverse complement: MYH9 is on the minus strand). VCF-style: chr22-36288285-CC-TT. GRCh37 (hg19) VCF-style: chr22-36684331-CC-TT.
Other names: short protein forms R1633Q.
Identifiers: ClinVar variation 3701846 (VCV003701846.2).